The following is an entry in ClinVar:

ClinVar aggregate classification (germline): Uncertain significance. Review status: criteria provided, multiple submitters, no conflicts (2 of 4 stars). 2 submissions from 2 submitters: Uncertain significance (2). Last evaluated 2025-07-24.

Allele frequency attached by ClinVar (database versions not stated): gnomAD 0.00002; gnomAD exomes 0.00002; TOPMed 0.00002; ExAC 0.00001.
gnomAD v4.1: 32 of 1,612,464 alleles (0.002%); highest among the groups gnomAD compares: African/African-American, 0.0053%; no homozygotes.

Submissions (2):

Mayo Clinic Laboratories, Mayo Clinic
Classification: Uncertain significance. Last evaluated: 2025-07-24. Review status: criteria provided, single submitter. Criteria: ACMG Guidelines, 2015. Collection method: clinical testing. Allele origin: germline. Observed: 1 variant allele.
Comment: BP4

Labcorp Genetics (formerly Invitae), Labcorp
Classification: Uncertain significance. Last evaluated: 2024-10-14. Review status: criteria provided, single submitter. Criteria: Invitae Variant Classification Sherloc (09022015). Collection method: clinical testing. Allele origin: germline.
Comment: This sequence change replaces arginine, which is basic and polar, with cysteine, which is neutral and slightly polar, at codon 612 of the SKIV2L protein (p.Arg612Cys). This variant is present in population databases (rs760688585, gnomAD 0.003%). This variant has not been reported in the literature in individuals affected with SKIV2L-related conditions. ClinVar contains an entry for this variant (Variation ID: 1355423). An algorithm developed to predict the effect of missense changes on protein structure and function (PolyPhen-2) suggests that this variant is likely to be disruptive. In summary, the available evidence is currently insufficient to determine the role of this variant in disease. Therefore, it has been classified as a Variant of Uncertain Significance.

NM_006929.5(SKIC2):c.1834C>T (p.Arg612Cys)

Gene: SKIC2 (SKI2 subunit of superkiller complex; plus strand). Cytogenetic location: 6p21.33.
Variant type: single nucleotide variant.
Coding change: c.1834C>T on transcript NM_006929.5 (MANE Select); coding-DNA position 1834, C replaced by T.
Protein change: p.Arg612Cys; replaces arginine 612 with cysteine.
Molecular consequence: missense variant.
Genome position (GRCh38, 1-based): chr6:31,964,099, C>T. VCF-style: chr6-31964099-C-T. GRCh37 (hg19) VCF-style: chr6-31931876-C-T.
Other names: p.Arg612Cys; short protein forms R612C.
Identifiers: ClinVar variation 1355423 (VCV001355423.7), dbSNP rs760688585, ClinGen allele CA3729587.